The following is an entry in ClinVar:

ClinVar aggregate classification (germline): Pathogenic (1 of 4 stars; one submission).

Conditions:
Cortical dysplasia-focal epilepsy syndrome (PTHSL1). Also called: Pitt-Hopkins-like syndrome 1. Identifiers: Orphanet 163681, Orphanet 221150, MedGen C2750246, MONDO:0012400, OMIM 610042.

Submission:

Women's Health and Genetics/Laboratory Corporation of America, LabCorp
Classification: Pathogenic for Cortical dysplasia-focal epilepsy syndrome. Last evaluated: 2025-01-13. Review status: criteria provided, single submitter. Criteria: LabCorp Variant Classification Summary - May 2015. Collection method: clinical testing. Allele origin: germline.
Comment: Variant summary: CNTNAP2 c.30_48dup19 (p.Ile17GlyfsX26) results in a premature termination codon, predicted to cause absence of the protein due to nonsense mediated decay, which is a commonly known mechanism for disease. The frequency data for this variant in gnomAD is considered unreliable, as metrics indicate poor data quality at this position. To our knowledge, no occurrence of c.30_48dup19 in individuals affected with Pitt-Hopkins-Like Syndrome 1 and no experimental evidence demonstrating its impact on protein function have been reported. No submitters have cited clinical-significance assessments for this variant to ClinVar. Based on the evidence outlined above, the variant was classified as pathogenic.

NM_014141.6(CNTNAP2):c.30_48dup (p.Ile17fs)

Gene: CNTNAP2 (contactin associated protein 2; plus strand). Cytogenetic location: 7q35.
Variant type: Duplication.
Coding change: c.30_48dup on transcript NM_014141.6 (MANE Select); coding-DNA positions 30 to 48, 19 bases duplicated (GGCAGCGCTCCTGCTGTGG).
Protein change: p.Ile17fs; shifts the reading frame from isoleucine 17.
Molecular consequence: frameshift variant.
Genome position (GRCh38, 1-based): chr7:146,116,906-146,116,924, GGCAGCGCTCCTGCTGTGG duplicated; duplicating any 19 consecutive bases within chr7:146,116,904-146,116,924 gives the same sequence; the c. name uses the placement nearest the transcript's 3' end. VCF-style (leftmost placement, unchanged base first): chr7-146116903-C-CGGGGCAGCGCTCCTGCTGT. GRCh37 (hg19) VCF-style: chr7-145813995-C-CGGGGCAGCGCTCCTGCTGT.
Other names: c.30_48dup19 (NM_014141.6); short protein forms I17fs.
Identifiers: ClinVar variation 3769145 (VCV003769145.2).